The following is an entry in ClinVar:

ClinVar aggregate classification (germline): Uncertain significance (1 of 4 stars; one submission).

Conditions:
Long QT syndrome (LQTS). Identifiers: MedGen C0023976, MeSH D008133, MONDO:0002442. Disease mechanism: loss of function. Inheritance: Various modes of inheritance.

Submission:

Labcorp Genetics (formerly Invitae), Labcorp
Classification: Uncertain significance for Long QT syndrome. Last evaluated: 2024-09-24. Review status: criteria provided, single submitter. Criteria: Invitae Variant Classification Sherloc (09022015). Collection method: clinical testing. Allele origin: germline.
Comment: This sequence change replaces phenylalanine, which is neutral and non-polar, with serine, which is neutral and polar, at codon 2100 of the AKAP9 protein (p.Phe2100Ser). This variant is not present in population databases (gnomAD no frequency). This variant has not been reported in the literature in individuals affected with AKAP9-related conditions. An algorithm developed to predict the effect of missense changes on protein structure and function (PolyPhen-2) suggests that this variant is likely to be tolerated. In summary, the available evidence is currently insufficient to determine the role of this variant in disease. Therefore, it has been classified as a Variant of Uncertain Significance.

NM_005751.5(AKAP9):c.6299T>C (p.Phe2100Ser)

Gene: AKAP9 (A-kinase anchoring protein 9; plus strand). Cytogenetic location: 7q21.2.
Variant type: single nucleotide variant.
Coding change: c.6299T>C on transcript NM_005751.5 (MANE Select); coding-DNA position 6299, T replaced by C.
Protein change: p.Phe2100Ser; replaces phenylalanine 2100 with serine.
Molecular consequence: missense variant.
Genome position (GRCh38, 1-based): chr7:92,066,515, T>C. VCF-style: chr7-92066515-T-C. GRCh37 (hg19) VCF-style: chr7-91695829-T-C.
Other names: c.944T>C, p.Phe315Ser (NM_001379277.1); c.6299T>C, p.Phe2100Ser (NM_147185.3); short protein forms F2100S, F315S.
Identifiers: ClinVar variation 3721462 (VCV003721462.2).